The following is an entry in ClinVar:

ClinVar aggregate classification (germline): Uncertain significance (1 of 4 stars; one submission).

Conditions:
Spastic paraplegia. Identifiers: MedGen C0037772, HP:0001258.

Allele frequency attached by ClinVar (database versions not stated): gnomAD exomes below 0.00001; TOPMed below 0.00001; gnomAD 0.00001.
gnomAD v4.1: 2 of 1,614,014 alleles (0.00012%); highest among the groups gnomAD compares: Non-Finnish European, 0.00017%; no homozygotes.

Submission:

Labcorp Genetics (formerly Invitae), Labcorp
Classification: Uncertain significance for Spastic paraplegia. Last evaluated: 2022-06-05. Review status: criteria provided, single submitter. Criteria: Invitae Variant Classification Sherloc (09022015). Collection method: clinical testing. Allele origin: germline.
Comment: This sequence change replaces isoleucine, which is neutral and non-polar, with valine, which is neutral and non-polar, at codon 407 of the CYP2U1 protein (p.Ile407Val). This variant is not present in population databases (gnomAD no frequency). This variant has not been reported in the literature in individuals affected with CYP2U1-related conditions. ClinVar contains an entry for this variant (Variation ID: 566961). Advanced modeling of protein sequence and biophysical properties (such as structural, functional, and spatial information, amino acid conservation, physicochemical variation, residue mobility, and thermodynamic stability) performed at Invitae indicates that this missense variant is not expected to disrupt CYP2U1 protein function. In summary, the available evidence is currently insufficient to determine the role of this variant in disease. Therefore, it has been classified as a Variant of Uncertain Significance.

NM_183075.3(CYP2U1):c.1219A>G (p.Ile407Val)

Gene: CYP2U1 (cytochrome P450 family 2 subfamily U member 1; plus strand). Cytogenetic location: 4q25.
Variant type: single nucleotide variant.
Coding change: c.1219A>G on transcript NM_183075.3 (MANE Select); coding-DNA position 1219, A replaced by G.
Protein change: p.Ile407Val; replaces isoleucine 407 with valine.
Molecular consequence: missense variant.
Genome position (GRCh38, 1-based): chr4:107,947,468, A>G. VCF-style: chr4-107947468-A-G. GRCh37 (hg19) VCF-style: chr4-108868624-A-G.
Other names: short protein forms I407V.
Identifiers: ClinVar variation 566961 (VCV000566961.5), dbSNP rs1560702525, ClinGen allele CA357838558.
Genomic context (GRCh38, chr4:107,947,468, plus strand): 5'-GGCGCCAACCGAGCTCCTTCCCTCACAGACAAGGCCCAGATGCCCTACACAGAAGCCACC[A>G]TCATGGAAGTGCAGAGGCTAACTGTGGTGGTGCCGCTTGCCATTCCTCATATGACCTCAG-3'
Protein context (NP_898898.1, residues 397-417): KAQMPYTEAT[Ile407Val]MEVQRLTVVV